The following is an entry in ClinVar:

ClinVar aggregate classification (germline): Conflicting classifications of pathogenicity. Review status: criteria provided, conflicting classifications (1 of 4 stars). 4 submissions from 4 submitters: Uncertain significance (3); Likely benign (1). Last evaluated 2026-02-20.

Conditions:
PRX-related disorder. Also called: PRX-Related Disorders; PRX-related condition.
Inborn genetic diseases. Identifiers: MedGen C0950123, MeSH D030342.
Charcot-Marie-Tooth disease type 4. Also called: Charcot-Marie-Tooth disease, type IV; Charcot-Marie-Tooth, Type 4. Identifiers: Orphanet 64749, MedGen C4082197, MONDO:0018995.

Allele frequency attached by ClinVar (database versions not stated): ExAC 0.00001; gnomAD exomes 0.00001 and 0.00004; gnomAD 0.00004 and 0.00005; TOPMed 0.00006; 1000 Genomes Project 30x 0.00016; 1000 Genomes Project 0.00020.
gnomAD v4.1: 29 of 1,614,098 alleles (0.0018%); highest among the groups gnomAD compares: Admixed American, 0.018%; no homozygotes.

Submissions (4):

PreventionGenetics, part of Exact Sciences
Classification: Uncertain significance for PRX-related condition. Last evaluated: 2026-02-20. Review status: criteria provided, single submitter. Criteria: ACMG Guidelines, 2015. Collection method: clinical testing. Allele origin: germline.
Comment: The PRX c.1391G>A variant is predicted to result in the amino acid substitution p.Arg464Gln. To our knowledge, this variant has not been reported in the literature. This variant is reported in 0.023% of alleles in individuals of Latino descent in gnomAD. At this time, the clinical significance of this variant is uncertain due to the absence of conclusive functional and genetic evidence.

Ambry Genetics
Classification: Likely benign for Inborn genetic diseases. Last evaluated: 2024-09-08. Review status: criteria provided, single submitter. Criteria: Ambry Variant Classification Scheme 2023. Collection method: clinical testing. Allele origin: germline.

Labcorp Genetics (formerly Invitae), Labcorp
Classification: Uncertain significance for Charcot-Marie-Tooth disease type 4. Last evaluated: 2024-07-23. Review status: criteria provided, single submitter. Criteria: Invitae Variant Classification Sherloc (09022015). Collection method: clinical testing. Allele origin: germline.
Comment: This sequence change replaces arginine, which is basic and polar, with glutamine, which is neutral and polar, at codon 464 of the PRX protein (p.Arg464Gln). This variant is present in population databases (rs553211374, gnomAD 0.02%). This variant has not been reported in the literature in individuals affected with PRX-related conditions. ClinVar contains an entry for this variant (Variation ID: 410600). An algorithm developed to predict the effect of missense changes on protein structure and function outputs the following: PolyPhen-2: "Benign". The glutamine amino acid residue is found in multiple mammalian species, which suggests that this missense change does not adversely affect protein function. In summary, the available evidence is currently insufficient to determine the role of this variant in disease. Therefore, it has been classified as a Variant of Uncertain Significance.

ARUP Laboratories, Molecular Genetics and Genomics, ARUP Laboratories
Classification: Uncertain significance. Last evaluated: 2019-12-19. Review status: criteria provided, single submitter. Criteria: ARUP Molecular Germline Variant Investigation Process. Collection method: clinical testing. Allele origin: germline.
Comment: The PRX c.1391G>A, p.Arg464Gln variant (rs553211374), to our knowledge, is not reported in the medical literature but is reported as uncertain in ClinVar (Variation ID: 410600). This variant is found in the Latino population with an allele frequency of 0.02% (8/35,438 alleles) in the Genome Aggregation Database. The arginine at codon 464 is weakly conserved, and computational analyses (SIFT, PolyPhen-2) predict that this variant is tolerated. However, given the lack of clinical and functional data, the significance of the p.Arg464Gln variant is uncertain at this time.

NM_181882.3(PRX):c.1391G>A (p.Arg464Gln)

Gene: PRX (periaxin; minus strand). Cytogenetic location: 19q13.2.
Variant type: single nucleotide variant.
Coding change: c.1391G>A on transcript NM_181882.3 (MANE Select); coding-DNA position 1391, G replaced by A.
Protein change: p.Arg464Gln; replaces arginine 464 with glutamine.
Molecular consequence: missense variant. On other transcripts: 3 prime UTR variant (1).
Genome position (GRCh38, 1-based): chr19:40,396,961, C>T on the plus strand (G>A on the coding strand, the complement: PRX is on the minus strand). VCF-style: chr19-40396961-C-T. GRCh37 (hg19) VCF-style: chr19-40902868-C-T.
Other names: c.*1596G>A (NM_020956.2); short protein forms R464Q.
Identifiers: ClinVar variation 410600 (VCV000410600.18), dbSNP rs553211374, ClinGen allele CA9444272.